The following is an entry in ClinVar:

ClinVar aggregate classification (germline): Uncertain significance (1 of 4 stars; one submission).

Allele frequency attached by ClinVar (database versions not stated): gnomAD exomes 0.00001 and 0.00002; gnomAD 0.00004 and 0.00005; ExAC 0.00005.
gnomAD v4.1: 36 of 1,545,120 alleles (0.0023%); highest among the groups gnomAD compares: Non-Finnish European, 0.0026%; no homozygotes.

Submission:

Labcorp Genetics (formerly Invitae), Labcorp
Classification: Uncertain significance. Last evaluated: 2022-08-16. Review status: criteria provided, single submitter. Criteria: Invitae Variant Classification Sherloc (09022015). Collection method: clinical testing. Allele origin: germline.
Comment: This sequence change replaces arginine, which is basic and polar, with histidine, which is basic and polar, at codon 853 of the LOXHD1 protein (p.Arg853His). This variant is present in population databases (rs763244762, gnomAD 0.005%). This variant has not been reported in the literature in individuals affected with LOXHD1-related conditions. ClinVar contains an entry for this variant (Variation ID: 1404841). Algorithms developed to predict the effect of missense changes on protein structure and function are either unavailable or do not agree on the potential impact of this missense change (SIFT: "Deleterious"; PolyPhen-2: "Benign"; Align-GVGD: "Class C0"). In summary, the available evidence is currently insufficient to determine the role of this variant in disease. Therefore, it has been classified as a Variant of Uncertain Significance.

NM_001384474.1(LOXHD1):c.2558G>A (p.Arg853His)

Gene: LOXHD1 (lipoxygenase homology PLAT domains 1; minus strand). Cytogenetic location: 18q21.1.
Variant type: single nucleotide variant.
Coding change: c.2558G>A on transcript NM_001384474.1 (MANE Select); coding-DNA position 2558, G replaced by A.
Protein change: p.Arg853His; replaces arginine 853 with histidine.
Molecular consequence: missense variant.
Genome position (GRCh38, 1-based): chr18:46,563,105, C>T on the plus strand (G>A on the coding strand, the complement: LOXHD1 is on the minus strand). VCF-style: chr18-46563105-C-T. GRCh37 (hg19) VCF-style: chr18-44143068-C-T.
Other names: c.2558G>A, p.Arg853His (NM_144612.7); short protein forms R853H.
Identifiers: ClinVar variation 1404841 (VCV001404841.5), dbSNP rs763244762, ClinGen allele CA8952662.